The following is an entry in ClinVar:

ClinVar aggregate classification (germline): Likely pathogenic (1 of 4 stars; one submission).

Conditions:
Early-infantile DEE. Also called: Ohtahara syndrome; Early infantile epileptic encephalopathy with suppression bursts; Early infantile epileptic encephalopathy. Identifiers: Orphanet 1934, MedGen C0393706, MONDO:0800491.

Allele frequency attached by ClinVar (database versions not stated): gnomAD exomes below 0.00001; TOPMed 0.00001.
gnomAD v4.1: 1 of 1,614,202 alleles (0.000062%); highest among the groups gnomAD compares: Admixed American, 0.0017%; no homozygotes.

Submission:

Labcorp Genetics (formerly Invitae), Labcorp
Classification: Likely pathogenic for Early-infantile DEE. Last evaluated: 2024-05-29. Review status: criteria provided, single submitter. Criteria: Invitae Variant Classification Sherloc (09022015). Collection method: clinical testing. Allele origin: germline.
Comment: This sequence change replaces lysine, which is basic and polar, with arginine, which is basic and polar, at codon 532 of the SPTAN1 protein (p.Lys532Arg). This variant is present in population databases (no rsID available, gnomAD 0.003%). This missense change has been observed in individual(s) with SPTAN1-related conditions (PMID: 34489640). In at least one individual the variant was observed to be de novo. Advanced modeling of protein sequence and biophysical properties (such as structural, functional, and spatial information, amino acid conservation, physicochemical variation, residue mobility, and thermodynamic stability) has been performed at Invitae for this missense variant, however the output from this modeling did not meet the statistical confidence thresholds required to predict the impact of this variant on SPTAN1 protein function. In summary, the currently available evidence indicates that the variant is pathogenic, but additional data are needed to prove that conclusively. Therefore, this variant has been classified as Likely Pathogenic.

Literature cited by the submitters: PubMed 34489640.

NM_001130438.3(SPTAN1):c.1595A>G (p.Lys532Arg)

Gene: SPTAN1 (spectrin alpha, non-erythrocytic 1; plus strand). Cytogenetic location: 9q34.11.
Variant type: single nucleotide variant.
Coding change: c.1595A>G on transcript NM_001130438.3 (MANE Select); coding-DNA position 1595, A replaced by G.
Protein change: p.Lys532Arg; replaces lysine 532 with arginine.
Molecular consequence: missense variant.
Genome position (GRCh38, 1-based): chr9:128,582,501, A>G. VCF-style: chr9-128582501-A-G. GRCh37 (hg19) VCF-style: chr9-131344780-A-G.
Other names: c.1595A>G, p.Lys532Arg (NM_001195532.2, NM_001363759.2, NM_001363765.2 and 1 more transcripts); short protein forms K532R.
Identifiers: ClinVar variation 2697300 (VCV002697300.3), dbSNP rs886063501, ClinGen allele CA10632765.